The following is an entry in ClinVar:

ClinVar aggregate classification (germline): Uncertain significance (1 of 4 stars; one submission).

Submission:

Women's Health and Genetics/Laboratory Corporation of America, LabCorp
Classification: Uncertain significance. Last evaluated: 2025-01-03. Review status: criteria provided, single submitter. Criteria: LabCorp Variant Classification Summary - May 2015. Collection method: clinical testing. Allele origin: germline.
Comment: Variant summary: NOTCH3 c.96_98dupGCT (p.Leu33dup) results in an in-frame duplication that is predicted to duplicate 1 amino acid into the encoded protein. The variant allele was found at a frequency of 2.3e-05 in 44354 control chromosomes. The available data on variant occurrences in the general population are insufficient to allow any conclusion about variant significance. To our knowledge, no occurrence of c.96_98dupGCT in individuals affected with NOTCH3-related conditions and no experimental evidence demonstrating its impact on protein function have been reported. No submitters have cited clinical-significance assessments for this variant to ClinVar. Based on the evidence outlined above, the variant was classified as uncertain significance.

NM_000435.3(NOTCH3):c.87GCT[5] (p.Leu33_Ala34insLeu)

Gene: NOTCH3 (notch receptor 3; minus strand). Cytogenetic location: 19p13.12.
Variant type: Microsatellite.
Coding change: c.87GCT[5] on transcript NM_000435.3 (MANE Select); five copies in a row of the 3-base unit GCT starting at c.87; the reference has four copies in a row; one copy, 3 bases duplicated.
Protein change: p.Leu33_Ala34insLeu.
Genome position (GRCh38, 1-based): chr19:15,200,808-15,200,810, AGC duplicated on the plus strand (GCT on the coding strand, the reverse complement: NOTCH3 is on the minus strand); duplicating any 3 consecutive bases within chr19:15,200,808-15,200,821 gives the same sequence; the position shown is the placement nearest the transcript's 3' end. VCF-style (leftmost placement, unchanged base first): chr19-15200807-T-TAGC. GRCh37 (hg19) VCF-style: chr19-15311618-T-TAGC.
Other names: c.96_98dupGCT (NM_000435.3).
Identifiers: ClinVar variation 3769284 (VCV003769284.2).